The following is an entry in ClinVar:

ClinVar aggregate classification (germline): Uncertain significance (1 of 4 stars; one submission).

Conditions:
RASopathy. Also called: Noonan spectrum disorder; rasopathies. Identifiers: Orphanet 536391, MedGen C5555857, MONDO:0021060.

Submission:

Labcorp Genetics (formerly Invitae), Labcorp
Classification: Uncertain significance for RASopathy. Last evaluated: 2024-08-06. Review status: criteria provided, single submitter. Criteria: Invitae Variant Classification Sherloc (09022015). Collection method: clinical testing. Allele origin: germline.
Comment: This sequence change replaces glutamine, which is neutral and polar, with proline, which is neutral and non-polar, at codon 725 of the CBL protein (p.Gln725Pro). This variant is not present in population databases (gnomAD no frequency). This variant has not been reported in the literature in individuals affected with CBL-related conditions. Advanced modeling of protein sequence and biophysical properties (such as structural, functional, and spatial information, amino acid conservation, physicochemical variation, residue mobility, and thermodynamic stability) performed at Invitae indicates that this missense variant is not expected to disrupt CBL protein function with a negative predictive value of 95%. In summary, the available evidence is currently insufficient to determine the role of this variant in disease. Therefore, it has been classified as a Variant of Uncertain Significance.

NM_005188.4(CBL):c.2174A>C (p.Gln725Pro)

Gene: CBL (Cbl proto-oncogene; plus strand). Cytogenetic location: 11q23.3.
Variant type: single nucleotide variant.
Coding change: c.2174A>C on transcript NM_005188.4 (MANE Select); coding-DNA position 2174, A replaced by C.
Protein change: p.Gln725Pro; replaces glutamine 725 with proline.
Molecular consequence: missense variant.
Genome position (GRCh38, 1-based): chr11:119,297,404, A>C. VCF-style: chr11-119297404-A-C. GRCh37 (hg19) VCF-style: chr11-119168114-A-C.
Other names: short protein forms Q725P.
Identifiers: ClinVar variation 3669274 (VCV003669274.2).